The following is an entry in ClinVar:

ClinVar aggregate classification (germline): Uncertain significance (1 of 4 stars; one submission).

Conditions:
Arginine:glycine amidinotransferase deficiency (CCDS3). Also called: AGAT deficiency; Cerebral creatine deficiency syndrome 3; L-Arginine:Glycine Amidinotransferase Deficiency; Creatine deficiency syndrome due to AGAT deficiency; GATM deficiency; L-Arginine:Glycine Amidinotransferase (AGAT) Deficiency. Identifiers: Orphanet 35704, MedGen C2675179, MONDO:0012996, OMIM 612718.

Allele frequency attached by ClinVar (database versions not stated): gnomAD exomes 0.00001 and below 0.00001; TOPMed 0.00001; gnomAD 0.00001.
gnomAD v4.1: 6 of 1,520,216 alleles (0.00039%); highest among the groups gnomAD compares: Admixed American, 0.002%; no homozygotes.

Submission:

Labcorp Genetics (formerly Invitae), Labcorp
Classification: Uncertain significance for Arginine:glycine amidinotransferase deficiency. Last evaluated: 2025-12-17. Review status: criteria provided, single submitter. Criteria: Invitae Variant Classification Sherloc (09022015). Collection method: clinical testing. Allele origin: germline.
Comment: This sequence change replaces arginine, which is basic and polar, with tryptophan, which is neutral and slightly polar, at codon 23 of the GATM protein (p.Arg23Trp). The frequency data for this variant in the population databases is considered unreliable, as metrics indicate poor data quality at this position in the gnomAD database. This variant has not been reported in the literature in individuals affected with GATM-related conditions. ClinVar contains an entry for this variant (Variation ID: 1059648). Invitae Evidence Modeling of protein sequence and biophysical properties (such as structural, functional, and spatial information, amino acid conservation, physicochemical variation, residue mobility, and thermodynamic stability) has been performed for this missense variant. However, the output from this modeling did not meet the statistical confidence thresholds required to predict the impact of this variant on GATM protein function. In summary, the available evidence is currently insufficient to determine the role of this variant in disease. Therefore, it has been classified as a Variant of Uncertain Significance.

NM_001482.3(GATM):c.67C>T (p.Arg23Trp)

Genes: GATM (glycine amidinotransferase; minus strand), LOC130056991 (ATAC-STARR-seq lymphoblastoid silent region 6406; plus strand). Cytogenetic location: 15q21.1.
Variant type: single nucleotide variant.
Coding change: c.67C>T on transcript NM_001482.3 (MANE Select); coding-DNA position 67, C replaced by T.
Protein change: p.Arg23Trp; replaces arginine 23 with tryptophan.
Molecular consequence: missense variant. On other transcripts: intron variant (1).
Genome position (GRCh38, 1-based): chr15:45,378,387, G>A on the plus strand (C>T on the coding strand, the complement: GATM is on the minus strand). VCF-style: chr15-45378387-G-A. GRCh37 (hg19) VCF-style: chr15-45670585-G-A.
Other names: c.-318-1568C>T (NM_001321015.2); short protein forms R23W.
Identifiers: ClinVar variation 1059648 (VCV001059648.9), dbSNP rs1240389133, ClinGen allele CA392266548.
Genomic context (GRCh38, chr15:45,378,387, plus strand): 5'-CCGCCCGCAGGATCGAGTGAGTCACGCGGCCGCCAGACGAGGCCGGTGGCGCACGCACCC[G>A]AGATCCGATGTAGTGCACCGCCTCGGCGCCGCGGCTCCCGCCGCGCAGACACCGCACCCG-3'
Protein context (NP_001473.1, residues 13-33): GAEAVHYIGS[Arg23Trp]LGRTLTGWVQ